The following is an entry in ClinVar:

ClinVar aggregate classification (germline): Likely benign. Review status: criteria provided, single submitter (1 of 4 stars). 2 submissions from 2 submitters: Likely benign (1). 1 of the submissions does not count toward it. Last evaluated 2025-07-31.

Conditions:
CREBBP-related disorder. Also called: CREBBP-related disorders; CREBBP-related condition.
Rubinstein-Taybi syndrome (RSTS). Identifiers: Orphanet 783, MedGen C0035934, MONDO:0019188.

Allele frequency attached by ClinVar (database versions not stated): gnomAD 0.00003; ESP Exome Variant Server 0.00008.
gnomAD v4.1: 127 of 1,614,020 alleles (0.0079%); highest among the groups gnomAD compares: Non-Finnish European, 0.01%; no homozygotes.

Submissions (2):

Labcorp Genetics (formerly Invitae), Labcorp
Classification: Likely benign for Rubinstein-Taybi syndrome. Last evaluated: 2025-07-31. Review status: criteria provided, single submitter. Criteria: Invitae Variant Classification Sherloc (09022015). Collection method: clinical testing. Allele origin: germline.

PreventionGenetics, part of Exact Sciences
Classification: Likely benign for CREBBP-related condition. Last evaluated: 2024-03-27. Review status: no assertion criteria provided. Collection method: clinical testing. Allele origin: germline. Not counted in ClinVar's aggregate classification.
Comment: This variant is classified as likely benign based on ACMG/AMP sequence variant interpretation guidelines (Richards et al. 2015 PMID: 25741868, with internal and published modifications).

NM_004380.3(CREBBP):c.3025G>T (p.Asp1009Tyr)

Gene: CREBBP (CREB binding lysine acetyltransferase; minus strand). Cytogenetic location: 16p13.3.
Variant type: single nucleotide variant.
Coding change: c.3025G>T on transcript NM_004380.3 (MANE Select); coding-DNA position 3025, G replaced by T.
Protein change: p.Asp1009Tyr; replaces aspartic acid 1009 with tyrosine.
Molecular consequence: missense variant.
Genome position (GRCh38, 1-based): chr16:3,769,209, C>A on the plus strand (G>T on the coding strand, the complement: CREBBP is on the minus strand). VCF-style: chr16-3769209-C-A. GRCh37 (hg19) VCF-style: chr16-3819210-C-A.
Other names: c.3025G>T (NM_004380.2); c.2911G>T, p.Asp971Tyr (NM_001079846.1); short protein forms D1009Y, D971Y.
Identifiers: ClinVar variation 2416622 (VCV002416622.8), dbSNP rs141734994, ClinGen allele CA7869965.